The following is an entry in ClinVar:

NM_004174.4(SLC9A3):c.1777G>A (p.Ala593Thr)

Genes: SLC9A3 (solute carrier family 9 member A3), SLC9A3-AS1 (SLC9A3 antisense RNA 1; plus strand). Cytogenetic location: 5p15.33.
Variant type: single nucleotide variant.
Coding change: c.1777G>A on transcript NM_004174.4 (MANE Select); coding-DNA position 1777, G replaced by A.
Protein change: p.Ala593Thr; replaces alanine 593 with threonine.
Molecular consequence: missense variant.
Genome position (GRCh38, 1-based): chr5:476,656, C>T on the plus strand (G>A on the coding strand, the complement: SLC9A3 is on the minus strand). VCF-style: chr5-476656-C-T. GRCh37 (hg19) VCF-style: chr5-476771-C-T.
Other names: c.1750G>A, p.Ala584Thr (NM_001284351.3); short protein forms A593T, A584T.
Identifiers: ClinVar variation 1431294 (VCV001431294.7), dbSNP rs760018548, ClinGen allele CA3175706.

ClinVar aggregate classification (germline): Uncertain significance (1 of 4 stars; one submission).

Allele frequency attached by ClinVar (database versions not stated): ExAC 0.00001; gnomAD 0.00001; gnomAD exomes 0.00001; TOPMed 0.00002.
gnomAD v4.1: 10 of 1,605,960 alleles (0.00062%); highest among the groups gnomAD compares: African/African-American, 0.004%; no homozygotes.

Submission:

Labcorp Genetics (formerly Invitae), Labcorp
Classification: Uncertain significance. Last evaluated: 2025-04-14. Review status: criteria provided, single submitter. Criteria: Invitae Variant Classification Sherloc (09022015). Collection method: clinical testing. Allele origin: germline.
Comment: This sequence change replaces alanine, which is neutral and non-polar, with threonine, which is neutral and polar, at codon 593 of the SLC9A3 protein (p.Ala593Thr). The frequency data for this variant in the population databases is considered unreliable, as metrics indicate poor data quality at this position in the gnomAD database. This variant has not been reported in the literature in individuals affected with SLC9A3-related conditions. ClinVar contains an entry for this variant (Variation ID: 1431294). An algorithm developed to predict the effect of missense changes on protein structure and function outputs the following: PolyPhen-2: "Benign". The threonine amino acid residue is found in multiple mammalian species, which suggests that this missense change does not adversely affect protein function. In summary, the available evidence is currently insufficient to determine the role of this variant in disease. Therefore, it has been classified as a Variant of Uncertain Significance.